The following is an entry in ClinVar:

ClinVar aggregate classification (germline): Uncertain significance. Review status: criteria provided, multiple submitters, no conflicts (2 of 4 stars). 3 submissions from 3 submitters: Uncertain significance (3). Last evaluated 2026-10-01.

Conditions:
Beckwith-Wiedemann syndrome (BWS). Also called: EMG SYNDROME; Exomphalos macroglossia gigantism syndrome. Identifiers: Orphanet 116, MedGen C0004903, MONDO:0007534, OMIM 130650.
Inborn genetic diseases. Identifiers: MedGen C0950123, MeSH D030342.

Allele frequency attached by ClinVar (database versions not stated): gnomAD exomes below 0.00001.

Submissions (3):

St. Jude Molecular Pathology, St. Jude Children's Research Hospital
Classification: Uncertain significance for Beckwith-Wiedemann syndrome. Last evaluated: 2026-10-01. Review status: criteria provided, single submitter. Criteria: St. Jude Assertion Criteria 2020. Collection method: clinical testing. Allele origin: germline.
Comment: The CDKN1C c.455C>G p.(Pro152Arg) missense change is absent in gnomAD v2.1.1. The in silico tool REVEL predicts a benign effect on protein function, but to our knowledge this prediction has not been confirmed by functional studies. To our knowledge, this variant has not been reported in individuals with Beckwith-Wiedemann syndrome or IMAGE syndrome. In summary, the evidence currently available is insufficient to determine the clinical significance of this variant. It has therefore been classified as of uncertain significance.

Ambry Genetics
Classification: Uncertain significance for Inborn genetic diseases. Last evaluated: 2025-09-25. Review status: criteria provided, single submitter. Criteria: Ambry Variant Classification Scheme 2023. Collection method: clinical testing. Allele origin: germline.

Labcorp Genetics (formerly Invitae), Labcorp
Classification: Uncertain significance for Beckwith-Wiedemann syndrome. Last evaluated: 2025-08-11. Review status: criteria provided, single submitter. Criteria: Invitae Variant Classification Sherloc (09022015). Collection method: clinical testing. Allele origin: germline.
Comment: This sequence change replaces proline, which is neutral and non-polar, with arginine, which is basic and polar, at codon 152 of the CDKN1C protein (p.Pro152Arg). This variant is not present in population databases (gnomAD no frequency). This variant has not been reported in the literature in individuals affected with CDKN1C-related conditions. ClinVar contains an entry for this variant (Variation ID: 1482381). Experimental studies and prediction algorithms are not available or were not evaluated, and the functional significance of this variant is currently unknown. In summary, the available evidence is currently insufficient to determine the role of this variant in disease. Therefore, it has been classified as a Variant of Uncertain Significance.

NM_001122630.2(CDKN1C):c.422C>G (p.Pro141Arg)

Gene: CDKN1C (cyclin dependent kinase inhibitor 1C; minus strand). Cytogenetic location: 11p15.4.
Variant type: single nucleotide variant.
Coding change: c.422C>G on transcript NM_001122630.2 (MANE Select); coding-DNA position 422, C replaced by G.
Protein change: p.Pro141Arg; replaces proline 141 with arginine.
Molecular consequence: missense variant. On other transcripts: intron variant (1).
Genome position (GRCh38, 1-based): chr11:2,885,035, G>C on the plus strand (C>G on the coding strand, the complement: CDKN1C is on the minus strand). VCF-style: chr11-2885035-G-C. GRCh37 (hg19) VCF-style: chr11-2906265-G-C.
Other names: c.455C>G, p.Pro152Arg (NM_000076.2, NM_001362474.2); c.422C>G, p.Pro141Arg (NM_001122631.2); c.255+167C>G (NM_001362475.2); short protein forms P141R, P152R.
Identifiers: ClinVar variation 1482381 (VCV001482381.10), dbSNP rs1848953520, ClinGen allele CA379146664.
Genomic context (GRCh38, chr11:2,885,035, plus strand): 5'-GGAGCCGCGACCGGAGCCGCGACCGGAGCCGGAGCCGGGGCCGGGGCTGGAGCCAGGACC[G>C]GGACTGGGGGCGGGGTGGACGCCGGGGCCGGGACCGGGACACTAGGCAGCTGCTCCGGCG-3'
Protein context (NP_001116102.1, residues 131-151): PAPASTPPPV[Pro141Arg]VLAPAPAPAP